The following is an entry in ClinVar:

ClinVar aggregate classification (germline): Pathogenic (1 of 4 stars; one submission).

Conditions:
Nemaline myopathy 2 (NEM2). Also called: Nemaline myopathy 2, autosomal recessive. Identifiers: MedGen C1850569, MONDO:0009725, OMIM 256030.

Submission:

Myriad Genetics, Inc.
Classification: Pathogenic for Nemaline myopathy 2. Last evaluated: 2026-02-23. Review status: criteria provided, single submitter. Criteria: Myriad Autosomal Dominant, Autosomal Recessive and X-Linked Classification Criteria (2023). Collection method: clinical testing. Allele origin: unknown.
Comment: NM_001271208.1(NEB):c.1622_1623delCT(P541Rfs*14) is expected to be pathogenic in the context of NEB-related nemaline myopathy. This variant is predicted to lead to an abnormal or absent protein product due to the creation of a premature termination codon in NEB, a gene where loss-of-function variants are known to be pathogenic. Please note: this variant was assessed in the context of healthy population screening.

NM_001164508.2(NEB):c.1622_1623del (p.Pro541fs)

Gene: NEB (nebulin; minus strand). Cytogenetic location: 2q23.3.
Variant type: Deletion.
Coding change: c.1622_1623del on transcript NM_001164508.2 (MANE Select); coding-DNA positions 1622 to 1623, 2 bases deleted (CT; older notation c.1622_1623delCT).
Protein change: p.Pro541fs; shifts the reading frame from proline 541.
Molecular consequence: frameshift variant.
Genome position (GRCh38, 1-based): chr2:151,695,629-151,695,630, AG deleted on the plus strand (CT on the coding strand, the reverse complement: NEB is on the minus strand). VCF-style (leftmost placement, unchanged base first): chr2-151695628-CAG-C. GRCh37 (hg19) VCF-style: chr2-152552142-CAG-C.
Other names: c.1622_1623del, p.Pro541fs (NM_001164507.2, NM_001271208.2, NM_004543.5); short protein forms P541fs.
Identifiers: ClinVar variation 5010435 (VCV005010435.1).